The following is an entry in ClinVar:

NM_001035.3(RYR2):c.1335C>T (p.Val445=)

Gene: RYR2 (ryanodine receptor 2; plus strand). Cytogenetic location: 1q43.
Variant type: single nucleotide variant.
Coding change: c.1335C>T on transcript NM_001035.3 (MANE Select); coding-DNA position 1335, C replaced by T.
Protein change: p.Val445=; no amino-acid change (valine 445 retained).
Molecular consequence: synonymous variant.
Genome position (GRCh38, 1-based): chr1:237,454,433, C>T. VCF-style: chr1-237454433-C-T. GRCh37 (hg19) VCF-style: chr1-237617733-C-T.
Identifiers: ClinVar variation 771674 (VCV000771674.21), dbSNP rs573201028, ClinGen allele CA085357.

ClinVar aggregate classification (germline): Likely benign. Review status: criteria provided, multiple submitters, no conflicts (2 of 4 stars). 7 submissions from 7 submitters: Likely benign (5). 2 of the submissions do not count toward it. Last evaluated 2025-12-13.

Conditions:
Catecholaminergic polymorphic ventricular tachycardia (CVPT). Also called: Catecholamine-induced polymorphic ventricular tachycardia. Identifiers: Orphanet 3286, MedGen C5574922, MONDO:0017990.
Cardiomyopathy (CMYO). Also called: Cardiomyopathies. Identifiers: Orphanet 167848, MedGen C0878544, MONDO:0004994, HP:0001638. Inheritance: Various modes of inheritance.
Catecholaminergic polymorphic ventricular tachycardia 1. Also called: VENTRICULAR TACHYCARDIA, STRESS-INDUCED POLYMORPHIC 1; VENTRICULAR TACHYCARDIA, CATECHOLAMINERGIC POLYMORPHIC, 1, WITH OR WITHOUT ATRIAL DYSFUNCTION AND/OR DILATED CARDIOMYOPATHY; RYR2-Related Catecholaminergic Polymorphic Ventricular Tachycardia. Identifiers: Orphanet 3286, MedGen C1631597, MONDO:0011484, OMIM 604772.
Cardiovascular phenotype. Identifiers: MedGen CN230736.

Allele frequency attached by ClinVar (database versions not stated): gnomAD 0.00001; TOPMed 0.00002; ExAC 0.00003; gnomAD exomes 0.00004.
gnomAD v4.1: 28 of 1,612,862 alleles (0.0017%); highest among the groups gnomAD compares: Admixed American, 0.0033%; no homozygotes.

Submissions (7):

Labcorp Genetics (formerly Invitae), Labcorp
Classification: Likely benign for Catecholaminergic polymorphic ventricular tachycardia 1. Last evaluated: 2025-12-13. Review status: criteria provided, single submitter. Criteria: Invitae Variant Classification Sherloc (09022015). Collection method: clinical testing. Allele origin: germline.

Blueprint Genetics
Classification: Likely benign. Last evaluated: 2024-06-27. Review status: criteria provided, single submitter. Criteria: ACMG Guidelines, 2015. Collection method: clinical testing. Allele origin: germline.

All of Us Research Program, National Institutes of Health
Classification: Likely benign for Catecholaminergic polymorphic ventricular tachycardia. Last evaluated: 2023-12-13. Review status: criteria provided, single submitter. Criteria: ACMG Guidelines, 2015. Collection method: clinical testing. Allele origin: germline. Inheritance: Autosomal dominant inheritance. Observed: 7 variant alleles, 7 heterozygotes.
Comment: This study involves interpretation of variants in research participants for the purpose of population health screening. Participant phenotype was not available at the time of variant classification. Additional details can be found in publication PMID: 35346344, PMCID: PMC8962531

Ambry Genetics
Classification: Likely benign for Cardiovascular phenotype. Last evaluated: 2021-11-03. Review status: criteria provided, single submitter. Criteria: Ambry Variant Classification Scheme 2023. Collection method: clinical testing. Allele origin: germline.

Color Diagnostics, LLC DBA Color Health
Classification: Likely benign for Cardiomyopathy. Last evaluated: 2019-06-13. Review status: criteria provided, single submitter. Criteria: ACMG Guidelines, 2015. Collection method: clinical testing. Allele origin: germline.

Clinical Genetics, Academic Medical Center
Classification: Likely benign. Review status: no assertion criteria provided. Collection method: clinical testing. Allele origin: germline. Affected: yes. Study: VKGL Data-share Consensus. Not counted in ClinVar's aggregate classification.

Diagnostic Laboratory, Department of Genetics, University Medical Center Groningen
Classification: Likely benign. Review status: no assertion criteria provided. Collection method: clinical testing. Allele origin: germline. Affected: yes. Study: VKGL Data-share Consensus. Not counted in ClinVar's aggregate classification.